The following is an entry in ClinVar:

NM_000321.3(RB1):c.980A>C (p.Lys327Thr)

Gene: RB1 (RB transcriptional corepressor 1; plus strand). Cytogenetic location: 13q14.2.
Variant type: single nucleotide variant.
Coding change: c.980A>C on transcript NM_000321.3 (MANE Select); coding-DNA position 980, A replaced by C.
Protein change: p.Lys327Thr; replaces lysine 327 with threonine.
Molecular consequence: missense variant.
Genome position (GRCh38, 1-based): chr13:48,367,534, A>C. VCF-style: chr13-48367534-A-C. GRCh37 (hg19) VCF-style: chr13-48941670-A-C.
Other names: c.980A>C, p.Lys327Thr (NM_001407165.1, NM_001407166.1); short protein forms K327T.
Identifiers: ClinVar variation 3387563 (VCV003387563.1).

ClinVar aggregate classification (germline): Uncertain significance (1 of 4 stars; one submission).

Conditions:
Retinoblastoma (RB1). Also called: RETINOBLASTOMA, SOMATIC. Identifiers: Orphanet 790, MedGen C0035335, MeSH D012175, MONDO:0008380, OMIM 180200, HP:0009919. Disease mechanism: loss of function. Inheritance: Both sporadic and heritable forms are tested..

Submission:

All of Us Research Program, National Institutes of Health
Classification: Uncertain significance for Retinoblastoma. Last evaluated: 2024-03-05. Review status: criteria provided, single submitter. Criteria: ACMG Guidelines, 2015. Collection method: clinical testing. Allele origin: germline. Inheritance: Autosomal dominant inheritance. Observed: 1 variant allele, 1 heterozygote.
Comment: This study involves interpretation of variants in research participants for the purpose of population health screening. Participant phenotype was not available at the time of variant classification. Additional details can be found in publication PMID: 35346344, PMCID: PMC8962531